The following is an entry in ClinVar:

NM_002528.7(NTHL1):c.169C>T (p.Arg57Cys)

Gene: NTHL1 (nth like DNA glycosylase 1; minus strand). Cytogenetic location: 16p13.3.
Variant type: single nucleotide variant.
Coding change: c.169C>T on transcript NM_002528.7 (MANE Select); coding-DNA position 169, C replaced by T.
Protein change: p.Arg57Cys; replaces arginine 57 with cysteine.
Molecular consequence: missense variant. On other transcripts: 5 prime UTR variant (1).
Genome position (GRCh38, 1-based): chr16:2,046,313, G>A on the plus strand (C>T on the coding strand, the complement: NTHL1 is on the minus strand). VCF-style: chr16-2046313-G-A. GRCh37 (hg19) VCF-style: chr16-2096314-G-A.
Other names: c.169C>T, p.Arg57Cys (LRG_1366t1, NM_001318193.2); c.-10C>T (NM_001318194.2); short protein forms R57C.
Identifiers: ClinVar variation 662378 (VCV000662378.29), dbSNP rs767591879, ClinGen allele CA7828352.
Genomic context (GRCh38, chr16:2,046,313, plus strand): 5'-GCACCTTGAGGGGCTCAGCCCCCTCACCTTTCTCACTGTCCGAGCCCTCATAGGCCACAC[G>A]CAGTCTCTGTGCTTTCCGCGGACGCTTCACGGGGCTGTGGCTTTTCCTCGCTTCTGCAAA-3'
Protein context (NP_002519.2, residues 47-67): VKRPRKAQRL[Arg57Cys]VAYEGSDSEK

ClinVar aggregate classification (germline): Conflicting classifications of pathogenicity. Review status: criteria provided, conflicting classifications (1 of 4 stars). 9 submissions from 9 submitters: Uncertain significance (7); Likely benign (2). Last evaluated 2026-01-21.

Conditions:
Hereditary cancer-predisposing syndrome. Also called: Neoplastic Syndromes, Hereditary; Hereditary Cancer Syndrome; Tumor predisposition; Hereditary neoplastic syndrome. Identifiers: Orphanet 140162, MedGen C0027672, MeSH D009386, MONDO:0015356.
Familial adenomatous polyposis 3. Also called: NTHL1-associated polyposis; NTHL1-Related Adenomatous Polyposis and Colorectal Cancer; NTHL1-related attenuated familial adenomatous polyposis; NTHL1 Tumor Syndrome. Identifiers: Orphanet 220460, Orphanet 454840, MedGen C4225157, MONDO:0014630, OMIM 616415.

Allele frequency attached by ClinVar (database versions not stated): gnomAD exomes 0.00002 and 0.00007; TOPMed 0.00002; gnomAD 0.00003; ExAC 0.00004.
gnomAD v4.1: 28 of 1,612,266 alleles (0.0017%); highest among the groups gnomAD compares: Admixed American, 0.027%; no homozygotes.

Submissions (9):

Labcorp Genetics (formerly Invitae), Labcorp
Classification: Uncertain significance. Last evaluated: 2026-01-21. Review status: criteria provided, single submitter. Criteria: Invitae Variant Classification Sherloc (09022015). Collection method: clinical testing. Allele origin: germline.
Comment: This sequence change replaces arginine, which is basic and polar, with cysteine, which is neutral and slightly polar, at codon 65 of the NTHL1 protein (p.Arg65Cys). This variant is present in population databases (rs767591879, gnomAD 0.04%). This variant has not been reported in the literature in individuals affected with NTHL1-related conditions. ClinVar contains an entry for this variant (Variation ID: 662378). An algorithm developed to predict the effect of missense changes on protein structure and function outputs the following: PolyPhen-2: "Benign". The cysteine amino acid residue is found in multiple mammalian species, which suggests that this missense change does not adversely affect protein function. In summary, the available evidence is currently insufficient to determine the role of this variant in disease. Therefore, it has been classified as a Variant of Uncertain Significance.

Quest Diagnostics Nichols Institute San Juan Capistrano
Classification: Uncertain significance. Last evaluated: 2025-05-28. Review status: criteria provided, single submitter. Criteria: Quest Diagnostics criteria. Collection method: clinical testing. Allele origin: unknown.
Comment: The NTHL1 c.193C>T (p.Arg65Cys) variant has not been reported as a germline variant in individuals with NTHL1-related conditions in the published literature. The frequency of this variant in the general population (Genome Aggregation Database) is uninformative in the assessment of its pathogenicity. Analysis of this variant using bioinformatics tools for the prediction of the effect of amino acid changes on protein structure and function yielded predictions that this variant is benign. Based on the available information, we are unable to determine the clinical significance of this variant.

Dasa
Classification: Uncertain significance. Last evaluated: 2025-04-28. Review status: criteria provided, single submitter. Criteria: DASA Assertion Criteria. Collection method: clinical testing. Allele origin: germline.
Comment: NM_002528.7(NTHL1):c.169C>T (p.Arg57Cys) is a missense variant that results in the substitution of arginine with cysteine. This variant is rare in population databases. Computational prediction algorithms are consistent with a benign effect. The currently available literature and clinical evidence are not sufficient to establish a definitive association between this variant and the reported condition. Therefore, this variant is classified as a variant of uncertain significance.

Blueprint Genetics
Classification: Likely benign. Last evaluated: 2024-07-22. Review status: criteria provided, single submitter. Criteria: ACMG Guidelines, 2015. Collection method: clinical testing. Allele origin: germline.

GeneDx
Classification: Uncertain significance. Last evaluated: 2024-07-09. Review status: criteria provided, single submitter. Criteria: GeneDx Variant Classification Process June 2021. Collection method: clinical testing. Allele origin: germline. Affected: yes.
Comment: In silico analysis indicates that this missense variant does not alter protein structure/function; Has not been previously published as pathogenic or benign to our knowledge

Fulgent Genetics
Classification: Uncertain significance for Familial adenomatous polyposis 3. Last evaluated: 2024-02-01. Review status: criteria provided, single submitter. Criteria: ACMG Guidelines, 2015. Collection method: clinical testing. Allele origin: germline.

Department of Pathology and Laboratory Medicine, Sinai Health System
Classification: Uncertain significance for Familial adenomatous polyposis 3. Last evaluated: 2023-06-07. Review status: criteria provided, single submitter. Criteria: ACMG Guidelines, 2015. Collection method: clinical testing. Allele origin: germline. Affected: yes.

Sema4
Classification: Uncertain significance for Hereditary cancer-predisposing syndrome. Last evaluated: 2021-08-23. Review status: criteria provided, single submitter. Criteria: Sema4 Curation Guidelines. Collection method: curation. Allele origin: germline.
Comment: The NTHL1 c.193C>T (p.R65C) variant has not been reported in the literature to our knowledge. It was observed in 15/35414 chromosomes of the Latino subpopulation, with no homozygotes, in the large and broad cohorts of the Genome Aggregation Database (PMID: 32461654). The variant has been reported in ClinVar (Variation ID 662378). In silico tools suggest the impact of the variant on protein function is benign, though these predictions have not been confirmed by functional studies. The evidence is insufficient to meet ACMG/AMP criteria for classifying the variant as benign or pathogenic. Thus, the clinical significance of this variant is currently uncertain.

Ambry Genetics
Classification: Likely benign for Hereditary cancer-predisposing syndrome. Last evaluated: 2019-02-28. Review status: criteria provided, single submitter. Criteria: Ambry Variant Classification Scheme 2023. Collection method: clinical testing. Allele origin: germline.

Literature cited by the submitters: PubMed 31672974 (cited by Quest Diagnostics Nichols Institute San Juan Capistrano).